The following is an entry in ClinVar:

ClinVar aggregate classification (germline): Uncertain significance (1 of 4 stars; one submission).

Conditions:
Developmental and epileptic encephalopathy, 36 (DEE36). Also called: Congenital disorder of glycosylation, type Is; Epileptic encephalopathy, early infantile, 36; ALG13-CDG. Identifiers: Orphanet 324422, MedGen C4317295, MONDO:0010472, OMIM 300884.

gnomAD v4.1: 1 of 1,170,850 alleles (0.000085%); highest among the groups gnomAD compares: Non-Finnish European, 0.00011%; no homozygotes.

Submission:

Labcorp Genetics (formerly Invitae), Labcorp
Classification: Uncertain significance for Developmental and epileptic encephalopathy, 36. Last evaluated: 2020-04-09. Review status: criteria provided, single submitter. Criteria: Invitae Variant Classification Sherloc (09022015). Collection method: clinical testing. Allele origin: germline.
Comment: Algorithms developed to predict the effect of missense changes on protein structure and function are either unavailable or do not agree on the potential impact of this missense change (SIFT: "Deleterious"; PolyPhen-2: "Probably Damaging"; Align-GVGD: "Class C0"). In summary, the available evidence is currently insufficient to determine the role of this variant in disease. Therefore, it has been classified as a Variant of Uncertain Significance. This sequence change replaces glutamic acid with glycine at codon 296 of the ALG13 protein (p.Glu296Gly). The glutamic acid residue is moderately conserved and there is a moderate physicochemical difference between glutamic acid and glycine. This variant is not present in population databases (ExAC no frequency). This variant has not been reported in the literature in individuals with ALG13-related conditions.

NM_001099922.3(ALG13):c.887A>G (p.Glu296Gly)

Gene: ALG13 (ALG13 UDP-N-acetylglucosaminyltransferase subunit; plus strand). Cytogenetic location: Xq23.
Variant type: single nucleotide variant.
Coding change: c.887A>G on transcript NM_001099922.3 (MANE Select); coding-DNA position 887, A replaced by G.
Protein change: p.Glu296Gly; replaces glutamic acid 296 with glycine.
Molecular consequence: missense variant.
Genome position (GRCh38, 1-based): chrX:111,712,485, A>G. VCF-style: chrX-111712485-A-G. GRCh37 (hg19) VCF-style: chrX-110955713-A-G.
Other names: c.575A>G, p.Glu192Gly (NM_001257230.2, NM_001257234.2, NM_001257237.2 and 1 more transcripts); c.653A>G, p.Glu218Gly (NM_001257231.2); c.887A>G, p.Glu296Gly (NM_001324292.2); short protein forms E192G, E218G, E296G.
Identifiers: ClinVar variation 1060238 (VCV001060238.9), dbSNP rs2148043587, ClinGen allele CA414250346.